The following is an entry in ClinVar:

NM_020207.7(ERCC6L2):c.1242A>T (p.Gln414His)

Gene: ERCC6L2 (ERCC excision repair 6 like 2; plus strand). Cytogenetic location: 9q22.32.
Variant type: single nucleotide variant.
Coding change: c.1242A>T on transcript NM_020207.7 (MANE Select); coding-DNA position 1242, A replaced by T.
Protein change: p.Gln414His; replaces glutamine 414 with histidine.
Molecular consequence: missense variant. On other transcripts: non-coding transcript variant (1).
Genome position (GRCh38, 1-based): chr9:95,921,258, A>T. VCF-style: chr9-95921258-A-T. GRCh37 (hg19) VCF-style: chr9-98683540-A-T.
Other names: c.1242A>T, p.Gln414His (NM_001010895.4, NM_001375291.1, NM_001375292.1 and 2 more transcripts); short protein forms Q414H.
Identifiers: ClinVar variation 3510030 (VCV003510030.1).
Genomic context (GRCh38, chr9:95,921,258, plus strand): 5'-TTTCCAGAAAGCTGTCTATCAAACAGTGTTAGAAACAGAGGACGTGACTTTGATACTTCA[A>T]TCTTCTGAGCCTTGTACCTGTAGGAGTGGCCAAAAAAGGAGAAATTGTTGTTATAAGGCA-3'
Protein context (NP_064592.3, residues 404-424): LETEDVTLIL[Gln414His]SSEPCTCRSG

ClinVar aggregate classification (germline): Uncertain significance (1 of 4 stars; one submission).

Conditions:
Inborn genetic diseases. Identifiers: MedGen C0950123, MeSH D030342.

gnomAD v4.1: 1 of 1,613,750 alleles (0.000062%); highest among the groups gnomAD compares: Admixed American, 0.0017%; no homozygotes.

Submission:

Ambry Genetics
Classification: Uncertain significance for Inborn genetic diseases. Last evaluated: 2024-12-08. Review status: criteria provided, single submitter. Criteria: Ambry Variant Classification Scheme 2023. Collection method: clinical testing. Allele origin: germline.
Comment: The p.Q414H variant (also known as c.1242A>T), located in coding exon 7 of the ERCC6L2 gene, results from an A to T substitution at nucleotide position 1242. The glutamine at codon 414 is replaced by histidine, an amino acid with highly similar properties. This amino acid position is conserved. In addition, this alteration is predicted to be tolerated by in silico analysis. Based on the available evidence, the clinical significance of this variant remains unclear.